The following is an entry in ClinVar:

NM_001089.3(ABCA3):c.2173G>A (p.Glu725Lys)

Gene: ABCA3 (ATP binding cassette subfamily A member 3; minus strand). Cytogenetic location: 16p13.3.
Variant type: single nucleotide variant.
Coding change: c.2173G>A on transcript NM_001089.3 (MANE Select); coding-DNA position 2173, G replaced by A.
Protein change: p.Glu725Lys; replaces glutamic acid 725 with lysine.
Molecular consequence: missense variant.
Genome position (GRCh38, 1-based): chr16:2,297,419, C>T on the plus strand (G>A on the coding strand, the complement: ABCA3 is on the minus strand). VCF-style: chr16-2297419-C-T. GRCh37 (hg19) VCF-style: chr16-2347420-C-T.
Other names: short protein forms E725K.
Identifiers: ClinVar variation 1031071 (VCV001031071.5), dbSNP rs770082318, ClinGen allele CA7840934.

ClinVar aggregate classification (germline): Uncertain significance. Review status: criteria provided, multiple submitters, no conflicts (2 of 4 stars). 2 submissions from 2 submitters: Uncertain significance (2). Last evaluated 2024-03-20.

Conditions:
Interstitial lung disease due to ABCA3 deficiency. Also called: PULMONARY ALVEOLAR PROTEINOSIS, CONGENITAL, 3. Identifiers: Orphanet 440402, MedGen C1970456, MONDO:0012582, OMIM 610921.

Allele frequency attached by ClinVar (database versions not stated): ExAC 0.00001; gnomAD 0.00001 and 0.00002; gnomAD exomes 0.00001 and 0.00002; TOPMed 0.00003.

Submissions (2):

Labcorp Genetics (formerly Invitae), Labcorp
Classification: Uncertain significance. Last evaluated: 2024-03-20. Review status: criteria provided, single submitter. Criteria: Invitae Variant Classification Sherloc (09022015). Collection method: clinical testing. Allele origin: germline.
Comment: This sequence change replaces glutamic acid, which is acidic and polar, with lysine, which is basic and polar, at codon 725 of the ABCA3 protein (p.Glu725Lys). This variant is present in population databases (rs770082318, gnomAD 0.003%). This variant has not been reported in the literature in individuals affected with ABCA3-related conditions. ClinVar contains an entry for this variant (Variation ID: 1031071). Advanced modeling of protein sequence and biophysical properties (such as structural, functional, and spatial information, amino acid conservation, physicochemical variation, residue mobility, and thermodynamic stability) performed at Invitae indicates that this missense variant is expected to disrupt ABCA3 protein function with a positive predictive value of 80%. In summary, the available evidence is currently insufficient to determine the role of this variant in disease. Therefore, it has been classified as a Variant of Uncertain Significance.

Baylor Genetics
Classification: Uncertain significance for Interstitial lung disease due to ABCA3 deficiency. Last evaluated: 2020-08-26. Review status: criteria provided, single submitter. Criteria: ACMG Guidelines, 2015. Collection method: clinical testing. Allele origin: maternal. Affected: yes.
Comment: This variant was determined to be of uncertain significance according to ACMG Guidelines, 2015 [PMID:25741868].